The following is an entry in ClinVar:

ClinVar aggregate classification (germline): Pathogenic (1 of 4 stars; one submission).

Conditions:
Jeune thoracic dystrophy. Also called: Jeune's syndrome; Chondroectodermal dysplasia-like syndrome; Short-rib thoracic dysplasia; Jeune syndrome; Infantile thoracic dystrophy; Thoracic pelvic phalangeal dystrophy. Identifiers: Orphanet 474, MedGen C0265275, MONDO:0018770.

Submission:

Labcorp Genetics (formerly Invitae), Labcorp
Classification: Pathogenic for Jeune thoracic dystrophy. Last evaluated: 2023-03-28. Review status: criteria provided, single submitter. Criteria: Invitae Variant Classification Sherloc (09022015). Collection method: clinical testing. Allele origin: unknown.
Comment: For these reasons, this variant has been classified as Pathogenic. This variant disrupts a region of the DYNC2H1 protein in which other variant(s) (p.Arg4284Gly) have been determined to be pathogenic (PMID: 29068549). This suggests that this is a clinically significant region of the protein, and that variants that disrupt it are likely to be disease-causing. This variant has not been reported in the literature in individuals affected with DYNC2H1-related conditions. This variant is a gross deletion of the genomic region encompassing exon(s) 82-89 of the DYNC2H1 gene. While this deletion is not anticipated to lead to nonsense mediated decay, it is expected to disrupt the C-terminus of the protein.

Literature cited by the submitters: PubMed 29068549.

NC_000011.9:g.(?_103191738)_(103339453_?)del

Gene: DYNC2H1 (dynein cytoplasmic 2 heavy chain 1; plus strand). Cytogenetic location: 11q22.3.
Variant type: Deletion.
Identifiers: ClinVar variation 3244571 (VCV003244571.1).